The following is an entry in ClinVar:

ClinVar aggregate classification (germline): Conflicting classifications of pathogenicity. Review status: criteria provided, conflicting classifications (1 of 4 stars). 2 submissions from 2 submitters: Likely pathogenic (1); Uncertain significance (1). Last evaluated 2024-06-03.

Conditions:
Polycystic kidney disease, adult type (PKD1). Also called: Polycystic Kidney Disease 1, Autosomal Dominant; Polycystic kidney disease 1; Polycystic kidney disease 1, severe; Polycystic Kidney, Autosomal Dominant; POLYCYSTIC KIDNEY DISEASE 1 WITH OR WITHOUT POLYCYSTIC LIVER DISEASE; POLYCYSTIC KIDNEY DISEASE, ADULT, TYPE I. Identifiers: MedGen C3149841, MONDO:0008263, OMIM 173900.

Submissions (2):

Department of Pathology and Laboratory Medicine, Sinai Health System
Classification: Uncertain significance for Polycystic kidney disease, adult type. Last evaluated: 2024-06-03. Review status: criteria provided, single submitter. Criteria: ACMG Guidelines, 2015. Collection method: clinical testing. Allele origin: germline. Affected: yes.

Victorian Clinical Genetics Services, Murdoch Childrens Research Institute
Classification: Likely pathogenic for Polycystic kidney disease, adult type. Last evaluated: 2022-02-02. Review status: criteria provided, single submitter. Criteria: ACMG Guidelines, 2015. Collection method: clinical testing. Allele origin: germline. Inheritance: Autosomal dominant inheritance. Affected: yes.
Comment: Based on the classification scheme VCGS_Germline_v1.3.4, this variant is classified as Likely Pathogenic. Following criteria are met: 0102 - Loss of function is a known mechanism of disease in this gene and is associated with polycystic kidney disease 1 (MIM#173900). (I) 0107 - This gene is associated with autosomal dominant disease. Polycystic kidney disease 1 (MIM#173900) is predominantly caused by monoallelic variants, with rare reports of biallelic variants causing disease (OMIM). (I) 0216 - In-frame insertion/deletion in a non-repetitive region that has low conservation. (SP) 0251 - This variant is heterozygous. (I) 0301 - Variant is absent from gnomAD (both v2 and v3). (SP) 0600 - Variant is located in the annotated GPS domain (uniprot). (I) 0705 - No comparable inframe-deletion variants have previous evidence for pathogenicity. (I) 0803 - This variant has limited previous evidence of pathogenicity in unrelated individuals. It has been reported in two probands with polycystic kidney disease 1 (MIM#173900) (PMID: 23300259, 26823553). (SP) 0905 - No published segregation evidence has been identified for this variant. (I) 1007 - No published functional evidence has been identified for this variant. (I) 1208 - Inheritance information for this variant is not currently available in this individual. (I) Legend: (SP) - Supporting pathogenic, (I) - Information, (SB) - Supporting benign

Literature cited by the submitters: PubMed 26823553 (cited by Department of Pathology and Laboratory Medicine, Sinai Health System and Victorian Clinical Genetics Services, Murdoch Childrens Research Institute); PubMed 23300259 (cited by Department of Pathology and Laboratory Medicine, Sinai Health System and Victorian Clinical Genetics Services, Murdoch Childrens Research Institute).

NM_001009944.3(PKD1):c.9100GAG[1] (p.Glu3035del)

Gene: PKD1 (polycystin 1, transient receptor potential channel interacting; minus strand). Cytogenetic location: 16p13.3.
Variant type: Microsatellite.
Coding change: c.9100GAG[1] on transcript NM_001009944.3 (MANE Select); one copy of the 3-base unit GAG starting at c.9100; the reference has two copies in a row; one copy, 3 bases deleted.
Protein change: p.Glu3035del; deletes glutamic acid 3035.
Molecular consequence: inframe deletion. On other transcripts: inframe indel (2).
Genome position (GRCh38, 1-based): chr16:2,102,477-2,102,479, CTC deleted on the plus strand (GAG on the coding strand, the reverse complement: PKD1 is on the minus strand); deleting any 3 consecutive bases within chr16:2,102,477-2,102,483 gives the same sequence; the position shown is the placement nearest the transcript's 3' end. VCF-style (leftmost placement, unchanged base first): chr16-2102476-TCTC-T. GRCh37 (hg19) VCF-style: chr16-2152477-TCTC-T.
Other names: c.9103_9105delGAG (NM_001009944.2); c.9100GAG[1], p.Glu3035del (NM_000296.4); c.9099_9101GGA[1], p.Glu3035del (NM_001009944.2); short protein forms E3035del.
Identifiers: ClinVar variation 1805090 (VCV001805090.2), dbSNP rs2544733084, ClinGen allele CA2573050742.